The following is an entry in ClinVar:

NM_001277115.2(DNAH11):c.11267G>A (p.Arg3756His)

Gene: DNAH11 (dynein axonemal heavy chain 11; plus strand). Cytogenetic location: 7p15.3.
Variant type: single nucleotide variant.
Coding change: c.11267G>A on transcript NM_001277115.2 (MANE Select); coding-DNA position 11267, G replaced by A.
Protein change: p.Arg3756His; replaces arginine 3756 with histidine.
Molecular consequence: missense variant.
Genome position (GRCh38, 1-based): chr7:21,861,917, G>A. VCF-style: chr7-21861917-G-A. GRCh37 (hg19) VCF-style: chr7-21901535-G-A.
Other names: c.11288G>A (NM_003777.3); short protein forms R3756H.
Identifiers: ClinVar variation 402629 (VCV000402629.14), dbSNP rs554657293, ClinGen allele CA4182686.

ClinVar aggregate classification (germline): Conflicting classifications of pathogenicity. Review status: criteria provided, conflicting classifications (1 of 4 stars). 3 submissions from 3 submitters: Uncertain significance (2); Likely benign (1). Last evaluated 2026-01-13.

Conditions:
Primary ciliary dyskinesia. Also called: Ciliary dyskinesia. Identifiers: Orphanet 244, MedGen C0008780, MONDO:0016575, HP:0012265.

Allele frequency attached by ClinVar (database versions not stated): gnomAD 0.00004; TOPMed 0.00004; 1000 Genomes Project 30x 0.00016; 1000 Genomes Project 0.00020.
gnomAD v4.1: 142 of 1,613,146 alleles (0.0088%); highest among the groups gnomAD compares: Middle Eastern, 0.099%; no homozygotes.

Submissions (3):

Labcorp Genetics (formerly Invitae), Labcorp
Classification: Likely benign for Primary ciliary dyskinesia. Last evaluated: 2026-01-13. Review status: criteria provided, single submitter. Criteria: Invitae Variant Classification Sherloc (09022015). Collection method: clinical testing. Allele origin: germline.

Laboratory for Molecular Medicine, Mass General Brigham Personalized Medicine
Classification: Uncertain significance. Last evaluated: 2016-03-28. Review status: criteria provided, single submitter. Criteria: LMM Criteria. Collection method: clinical testing. Allele origin: germline.
Comment: Variant identified in a genome or exome case(s) and assessed due to predicted null impact of the variant or pathogenic assertions in the literature or databases. Disclaimer: This variant has not undergone full assessment. The following are preliminary notes: Affects minor transcript. Not reported. Gene is associated with PCD, would not explain patient's phenotype.

Ambry Genetics
Classification: Uncertain significance for Primary ciliary dyskinesia. Last evaluated: 2014-07-15. Review status: criteria provided, single submitter. Criteria: Ambry Variant Classification Scheme 2023. Collection method: clinical testing. Allele origin: germline.
Comment: The p.R3763H variant (also known as c.11288G>A), located in coding exon 69 of the DNAH11 gene, results from a G to A substitution at nucleotide position 11288. The arginine at codon 3763 is replaced by histidine, an amino acid with highly similar properties. This variant was not reported in population based cohorts in the following databases: Database of Single Nucleotide Polymorphisms (dbSNP), NHLBI Exome Sequencing Project (ESP), and 1000 Genomes Project. In the ESP, this variant was not observed in 6272 samples (12544 alleles) with coverage at this position. This amino acid position is well conserved in available vertebrate species. In addition, the in silico prediction for this alteration is inconclusive. Since supporting evidence is limited at this time, the clinical significance of this variant remains unclear.